The following is an entry in ClinVar:

NM_002691.4(POLD1):c.1073G>A (p.Arg358Gln)

Gene: POLD1 (DNA polymerase delta 1, catalytic subunit; plus strand). Cytogenetic location: 19q13.33.
Variant type: single nucleotide variant.
Coding change: c.1073G>A on transcript NM_002691.4 (MANE Select); coding-DNA position 1073, G replaced by A.
Protein change: p.Arg358Gln; replaces arginine 358 with glutamine.
Molecular consequence: missense variant. On other transcripts: non-coding transcript variant (1).
Genome position (GRCh38, 1-based): chr19:50,403,155, G>A. VCF-style: chr19-50403155-G-A. GRCh37 (hg19) VCF-style: chr19-50906412-G-A.
Other names: c.1073G>A, p.Arg358Gln (NM_001256849.1, NM_001308632.1); short protein forms R358Q.
Identifiers: ClinVar variation 239220 (VCV000239220.17), dbSNP rs878854518, ClinGen allele CA10583823.

ClinVar aggregate classification (germline): Uncertain significance. Review status: criteria provided, multiple submitters, no conflicts (2 of 4 stars). 3 submissions from 3 submitters: Uncertain significance (3). Last evaluated 2026-01-28.

Conditions:
Hereditary cancer-predisposing syndrome. Also called: Hereditary Cancer Syndrome; Neoplastic Syndromes, Hereditary; Hereditary neoplastic syndrome; Tumor predisposition. Identifiers: Orphanet 140162, MedGen C0027672, MeSH D009386, MONDO:0015356.
POLD1-related polyposis and colorectal cancer syndrome (CRCS10). Also called: COLORECTAL CANCER, SUSCEPTIBILITY TO, ON CHROMOSOME 19q; Colorectal cancer 10; Colorectal cancer, susceptibility to, 10. Identifiers: Orphanet 220460, MedGen C2675481, MONDO:0012953, OMIM 612591.

Allele frequency attached by ClinVar (database versions not stated): gnomAD exomes below 0.00001; gnomAD 0.00001; TOPMed 0.00001.
gnomAD v4.1: 6 of 1,561,330 alleles (0.00038%); highest among the groups gnomAD compares: African/African-American, 0.0014%; no homozygotes.

Submissions (4):

Labcorp Genetics (formerly Invitae), Labcorp
Classification: Uncertain significance for POLD1-related polyposis and colorectal cancer syndrome. Last evaluated: 2026-01-28. Review status: criteria provided, single submitter. Criteria: Invitae Variant Classification Sherloc (09022015). Collection method: clinical testing. Allele origin: germline.
Comment: This sequence change replaces arginine, which is basic and polar, with glutamine, which is neutral and polar, at codon 358 of the POLD1 protein (p.Arg358Gln). This variant is not present in population databases (gnomAD no frequency). This variant has not been reported in the literature in individuals affected with POLD1-related conditions. ClinVar contains an entry for this variant (Variation ID: 239220). Invitae Evidence Modeling of protein sequence and biophysical properties (such as structural, functional, and spatial information, amino acid conservation, physicochemical variation, residue mobility, and thermodynamic stability) indicates that this missense variant is not expected to disrupt POLD1 protein function with a negative predictive value of 80%. RNA analysis performed to evaluate the impact of this missense change on mRNA splicing indicates it does not significantly alter splicing (internal data). In summary, the available evidence is currently insufficient to determine the role of this variant in disease. Therefore, it has been classified as a Variant of Uncertain Significance.

Ambry Genetics
Classification: Uncertain significance for Hereditary cancer-predisposing syndrome. Last evaluated: 2025-05-05. Review status: criteria provided, single submitter. Criteria: Ambry Variant Classification Scheme 2023. Collection method: clinical testing. Allele origin: germline.
Comment: The p.R358Q variant (also known as c.1073G>A), located in coding exon 8 of the POLD1 gene, results from a G to A substitution at nucleotide position 1073. The arginine at codon 358 is replaced by glutamine, an amino acid with highly similar properties. This amino acid position is not well conserved in available vertebrate species. In addition, this alteration is predicted to be tolerated by in silico analysis. Since supporting evidence is limited at this time, the clinical significance of this alteration remains unclear.

GeneDx
Classification: Uncertain significance. Last evaluated: 2022-12-30. Review status: criteria provided, single submitter. Criteria: GeneDx Variant Classification Process June 2021. Collection method: clinical testing. Allele origin: germline. Affected: yes.
Comment: Not observed at significant frequency in large population cohorts (gnomAD); In silico analysis supports that this missense variant does not alter protein structure/function; Has not been previously published as pathogenic or benign to our knowledge; This variant is associated with the following publications: (PMID: 20951805, 31034466, 29338072)

Dr. Peter K. Rogan Lab, Western University
No classification provided (evidence only). Condition: Malignant tumor of urinary bladder. Review status: no classification provided. Collection method: in vitro. Allele origin: not applicable. Functional consequence: retained intron. Not counted in ClinVar's aggregate classification.